The following is an entry in ClinVar:

NM_001298.3(CNGA3):c.1168_1169del (p.Leu390fs)

Gene: CNGA3 (cyclic nucleotide gated channel subunit alpha 3; plus strand). Cytogenetic location: 2q11.2.
Variant type: Deletion.
Coding change: c.1168_1169del on transcript NM_001298.3 (MANE Select); coding-DNA positions 1168 to 1169, 2 bases deleted (CT; older notation c.1168_1169delCT).
Protein change: p.Leu390fs; shifts the reading frame from leucine 390.
Molecular consequence: frameshift variant.
Genome position (GRCh38, 1-based): chr2:98,396,338-98,396,339, CT deleted; deleting any 2 consecutive bases within chr2:98,396,337-98,396,339 gives the same sequence; the c. name uses the placement nearest the transcript's 3' end. VCF-style (leftmost placement, unchanged base first): chr2-98396336-TTC-T. GRCh37 (hg19) VCF-style: chr2-99012799-TTC-T.
Other names: c.1114_1115del, p.Leu372fs (NM_001079878.2); short protein forms L372fs, L390fs.
Identifiers: ClinVar variation 2628057 (VCV002628057.3), dbSNP rs2467029530, ClinGen allele CA2505860072.

ClinVar aggregate classification (germline): Likely pathogenic. Review status: criteria provided, multiple submitters, no conflicts (2 of 4 stars). 2 submissions from 2 submitters: Likely pathogenic (2). Last evaluated 2023-01-01.

Conditions:
CNGA3-related disorders.
Achromatopsia 2 (ACHM2). Also called: COLORBLINDNESS, TOTAL; ROD MONOCHROMACY 2; ROD MONOCHROMATISM 2. Identifiers: Orphanet 49382, MedGen C1857618, MONDO:0009003, OMIM 216900.

Submissions (2):

DBGen Ocular Genomics
Classification: Likely pathogenic for Achromatopsia 2. Last evaluated: 2023-01-01. Review status: criteria provided, single submitter. Criteria: ACMG Guidelines, 2015. Collection method: clinical testing. Allele origin: unknown. Inheritance: Autosomal recessive inheritance. Affected: yes.
Comment: Class 4 ACMG Guidelines, 2015

Blueprint Genetics
Classification: Likely pathogenic for CNGA3-related disorders. Last evaluated: 2020-11-24. Review status: criteria provided, single submitter. Criteria: ACMG Guidelines, 2015. Collection method: clinical testing. Allele origin: germline. Affected: yes. Observed: 1 variant allele.